The following is an entry in ClinVar:

NM_000518.4(HBB):c.68A>G (p.Glu23Gly)

Genes: HBB (hemoglobin subunit beta; minus strand), LOC106099062 (HBB recombination region; plus strand), LOC107133510 (origin of replication at HBB; plus strand). Cytogenetic location: 11p15.4.
Variant type: single nucleotide variant.
Coding change: c.68A>G on transcript NM_000518.4; coding-DNA position 68, A replaced by G.
Protein change: p.Glu23Gly; replaces glutamic acid 23 with glycine.
Molecular consequence: missense variant (on NM_000518.5).
Genome position (GRCh38, 1-based): chr11:5,226,954, T>C on the plus strand (A>G on the coding strand, the complement: HBB is on the minus strand). VCF-style: chr11-5226954-T-C. GRCh37 (hg19) VCF-style: chr11-5248184-T-C.
Other names: E22G; c.68A>G, p.Glu23Gly (NM_000518.5); short protein forms E23G.
Identifiers: ClinVar variation 15178 (VCV000015178.17), dbSNP rs33936254, ClinGen allele CA124867.

ClinVar aggregate classification (germline): Conflicting classifications of pathogenicity. Review status: criteria provided, conflicting classifications (1 of 4 stars). 3 submissions from 3 submitters: Uncertain significance (1); Likely benign (1). 1 of the submissions does not count toward it. Last evaluated 2025-01-20.

Conditions:
HEMOGLOBIN G (TAIPEI).

gnomAD v4.1: 1 of 1,613,822 alleles (0.000062%); highest among the groups gnomAD compares: East Asian, 0.0022%; no homozygotes.

Submissions (3):

Quest Diagnostics Nichols Institute San Juan Capistrano
Classification: Uncertain significance. Last evaluated: 2025-01-20. Review status: criteria provided, single submitter. Criteria: Quest Diagnostics criteria. Collection method: clinical testing. Allele origin: unknown.
Comment: The HBB c.68A>G (p.Glu23Gly) variant (also known as Hb G-Taipei) is associated with normal clinical presentation when in heterozygosity (PMIDs: 3623978 (1987) and 23806067 (2013), and HbVar)). It has also been identified as a common variant in China, seen in an individual with reduced mean corpuscular volume levels from a routine blood analysis, and among individuals with hemoglobin disorders (PMIDs: 29626415 (2018), 26950205 (2016), and 25849334 (2015)). It has not been reported in large, multi-ethnic general populations. Analysis of this variant using bioinformatics tools for the prediction of the effect of amino acid changes on protein structure and function yielded predictions that this variant is damaging. Based on the available information, we are unable to determine the clinical significance of this variant.

ARUP Laboratories, Molecular Genetics and Genomics, ARUP Laboratories
Classification: Likely benign. Last evaluated: 2024-07-22. Review status: criteria provided, single submitter. Criteria: ARUP Molecular Germline Variant Investigation Process 2024. Collection method: clinical testing. Allele origin: germline.
Comment: The Hb G-Taipei variant (HBB: c.68A>G; p.Glu23Gly, also known as Glu22Gly when numbered from the mature protein, rs33936254, HbVar ID: 265) is reported in the heterozygous state in asymptomatic individuals with normal hematological parameters (Lin 2013, Zhang 2015, Zhang 2017, HbVar and references therein). This variant has not been reported with a pathogenic variant on the opposite chromosome, although, other variants at this codon (Glu22Ala, Glu22Gln) exhibit no clinical symptoms when found with a beta0 pathogenic variant in trans (Agrawal 2007, Koseler 2013, Rohe 1973). The Hb G-Taipei variant is listed in ClinVar (Variation ID: 15178). It is absent from the Genome Aggregation Database, indicating it is not a common polymorphism. Computational analyses are uncertain whether this variant is neutral or deleterious (REVEL: 0.59). Based on available information, the Hb G-Taipei variant is considered to be likely benign. References: HbVar database link: Agrawal M et al. Compound heterozygosity of Hb D(Iran) (beta(22) Glu-->Gln) and beta(0)-thalassemia (619 bp-deletion) in India. Eur J Haematol. 2007 Sep;79(3):248-50. PMID: 17655708. Koseler A et al. Molecular studies on the origin of the Hb G-Coushatta mutation in Denizli province of Turkey. Biochem Genet. 2013; 51(1-2):71-5. PMID: 23001606. Lin M et al. Molecular epidemiological survey of hemoglobinopathies in the Wuxi region of Jiangsu Province, eastern China. Hemoglobin. 2013;37(5):454-66. PMID: 23806067. Rohe R et al. Hemoglobin D Iran alpha A2 beta 22 2-Glu leads to Gln in association with thalassemia. Blood. 1973 Sep;42(3):455-62. PMID: 4725603. Zhang J et al. Genetic heterogeneity of the B-globin gene in various geographic populations of Yunnan in southwestern China. PLoS One. 2015 Apr 7;10(4):e0122956. PMID: 25849334. Zhang XM et al. Effects of hemoglobin variants HbJ Bangkok, HbE, HbG Taipei, and HbH on analysis of glycated hemoglobin via ion-exchange high-performance liquid chromatography. J Clin Lab Anal. 2017 Apr 13. PMID: 28407371.

OMIM
Classification: other for HEMOGLOBIN G (TAIPEI). Last evaluated: 2017-12-12. Review status: no assertion criteria provided. Collection method: literature only. Allele origin: germline. Not counted in ClinVar's aggregate classification.

Literature cited by the submitters: PubMed 26950205 (cited by Quest Diagnostics Nichols Institute San Juan Capistrano); PubMed 29626415 (cited by Quest Diagnostics Nichols Institute San Juan Capistrano); PubMed 38660679 (cited by Quest Diagnostics Nichols Institute San Juan Capistrano); PubMed 38715657 (cited by Quest Diagnostics Nichols Institute San Juan Capistrano); PubMed 36246595 (cited by Quest Diagnostics Nichols Institute San Juan Capistrano); PubMed 3623978 (cited by Quest Diagnostics Nichols Institute San Juan Capistrano and OMIM); PubMed 5791015 (cited by Quest Diagnostics Nichols Institute San Juan Capistrano and OMIM); PubMed 25849334 (cited by Quest Diagnostics Nichols Institute San Juan Capistrano); PubMed 24985555 (cited by Quest Diagnostics Nichols Institute San Juan Capistrano); PubMed 23806067 (cited by Quest Diagnostics Nichols Institute San Juan Capistrano); PubMed 7068436 (cited by OMIM).